The following is an entry in ClinVar:

NM_000274.4(OAT):c.730_733delinsCGATCACA (p.Gly244fs)

Genes: OAT (ornithine aminotransferase; minus strand), LOC121815974 (Sharpr-MPRA regulatory region 15365; plus strand). Cytogenetic location: 10q26.13.
Variant type: Indel.
Coding change: c.730_733delinsCGATCACA on transcript NM_000274.4 (MANE Select); coding-DNA positions 730 to 733, GGTT replaced by CGATCACA.
Protein change: p.Gly244fs; shifts the reading frame from glycine 244.
Molecular consequence: frameshift variant.
Genome position (GRCh38, 1-based): chr10:124,403,836-124,403,839, AACC replaced by TGTGATCG on the plus strand (GGTT replaced by CGATCACA on the coding strand, the reverse complement: OAT is on the minus strand). VCF-style: chr10-124403836-AACC-TGTGATCG. GRCh37 (hg19) VCF-style: chr10-126092405-AACC-TGTGATCG.
Other names: c.316_319delinsCGATCACA, p.Gly106fs (NM_001171814.2); c.730_733delinsCGATCACA, p.Gly244fs (NM_001322965.2, NM_001322966.2, NM_001322967.2 and 3 more transcripts); c.409_412delinsCGATCACA, p.Gly137fs (NM_001322971.2); c.130_133delinsCGATCACA, p.Gly44fs (NM_001322974.2); short protein forms G106fs, G137fs, G244fs, G44fs.
Identifiers: ClinVar variation 5011073 (VCV005011073.1).

ClinVar aggregate classification (germline): Pathogenic (1 of 4 stars; one submission).

Conditions:
Ornithine aminotransferase deficiency (GACR). Also called: HYPERORNITHINEMIA WITH GYRATE ATROPHY OF CHOROID AND RETINA; OAT DEFICIENCY; OKT DEFICIENCY; Ornithine ketoacid aminotransferase deficiency; Gyrate atrophy; Gyrate atrophy of choroid and retina. Identifiers: Orphanet 414, MedGen C0018425, MONDO:0009796, OMIM 258870.

Submission:

Myriad Genetics, Inc.
Classification: Pathogenic for Ornithine aminotransferase deficiency. Last evaluated: 2024-05-14. Review status: criteria provided, single submitter. Criteria: Myriad Autosomal Dominant, Autosomal Recessive and X-Linked Classification Criteria (2023). Collection method: clinical testing. Allele origin: unknown.
Comment: NM_000274.3(OAT):c.730_733del4ins8(G244Rfs*21) is expected to be pathogenic in the context of ornithine aminotransferase deficiency. This variant is predicted to lead to an abnormal or absent protein product due to the creation of a premature termination codon in OAT, a gene where loss-of-function variants are known to be pathogenic. Please note: this variant was assessed in the context of healthy population screening.